The following is an entry in ClinVar:

ClinVar aggregate classification (germline): Benign/Likely benign. Review status: criteria provided, multiple submitters, no conflicts (2 of 4 stars). 9 submissions from 9 submitters: Benign (4); Likely benign (5). Last evaluated 2026-02-02.

Conditions:
Pheochromocytoma. Also called: MAX-Related Hereditary Paraganglioma-Pheochromocytoma Syndrome. Identifiers: Orphanet 29072, MedGen C0031511, MONDO:0008233, OMIM 171300, HP:0002666.
Hirschsprung disease, susceptibility to, 1 (HSCR1). Also called: RET-Related Hirschsprung Disease. Identifiers: Orphanet 388, MedGen C3888239, MONDO:0007723, OMIM 142623.
Familial medullary thyroid carcinoma (MTC). Also called: Thyroid cancer, familial medullary; MTC, familial; Familial Medullary Thyroid Carcinoma (FMTC). Identifiers: Orphanet 653, Orphanet 99361, MedGen C1833921, MONDO:0007958, OMIM 155240.
Multiple endocrine neoplasia type 2B. Also called: WAGENMANN-FROBOESE SYNDROME; MULTIPLE ENDOCRINE NEOPLASIA, TYPE III; MEN 2B; MUCOSAL NEUROMA SYNDROME; MULTIPLE ENDOCRINE NEOPLASIA, TYPE IIB; MEN IIB. Identifiers: Orphanet 247709, Orphanet 653, MedGen C0025269, MeSH D018814, MONDO:0008082, OMIM 162300.
Multiple endocrine neoplasia type 2A. Also called: MULTIPLE ENDOCRINE NEOPLASIA, TYPE IIA; PTC SYNDROME; SIPPLE SYNDROME; MEN 2A; MEN-2A syndrome; Pheochromocytoma and amyloid producing medullary thyroid carcinoma. Identifiers: Orphanet 247698, Orphanet 653, MedGen C0025268, MeSH D018813, MONDO:0008234, OMIM 171400.
Hereditary cancer-predisposing syndrome. Also called: Tumor predisposition; Hereditary neoplastic syndrome; Neoplastic Syndromes, Hereditary; Hereditary Cancer Syndrome. Identifiers: Orphanet 140162, MedGen C0027672, MeSH D009386, MONDO:0015356.
Multiple endocrine neoplasia, type 2 (MEN2). Identifiers: Orphanet 653, MedGen C4048306, MONDO:0019003. Disease mechanism: gain of function.

Allele frequency attached by ClinVar (database versions not stated): TOPMed 0.00170; gnomAD 0.00173 and 0.00162; 1000 Genomes Project 0.00200; ESP Exome Variant Server 0.00231; 1000 Genomes Project 30x 0.00234; gnomAD exomes 0.00016 and 0.00046; ExAC 0.00049.
gnomAD v4.1: 495 of 1,614,254 alleles (0.031%); highest among the groups gnomAD compares: African/African-American, 0.57%; 1 homozygote.

Submissions (9):

Labcorp Genetics (formerly Invitae), Labcorp
Classification: Benign for Multiple endocrine neoplasia, type 2. Last evaluated: 2026-02-02. Review status: criteria provided, single submitter. Criteria: Invitae Variant Classification Sherloc (09022015). Collection method: clinical testing. Allele origin: germline.

ARUP Laboratories, Molecular Genetics and Genomics, ARUP Laboratories
Classification: Benign. Last evaluated: 2025-05-09. Review status: criteria provided, single submitter. Criteria: ARUP Molecular Germline Variant Investigation Process 2024. Collection method: clinical testing. Allele origin: germline.

Blueprint Genetics
Classification: Likely benign. Last evaluated: 2024-08-28. Review status: criteria provided, single submitter. Criteria: ACMG Guidelines, 2015. Collection method: clinical testing. Allele origin: germline.

Women's Health and Genetics/Laboratory Corporation of America, LabCorp
Classification: Benign. Last evaluated: 2024-01-13. Review status: criteria provided, single submitter. Criteria: LabCorp Variant Classification Summary - May 2015. Collection method: clinical testing. Allele origin: germline.

Color Diagnostics, LLC DBA Color Health
Classification: Benign for Multiple endocrine neoplasia, type 2. Last evaluated: 2022-10-11. Review status: criteria provided, single submitter. Criteria: ACMG Guidelines, 2015. Collection method: clinical testing. Allele origin: germline.

Fulgent Genetics
Classification: Likely benign for Hirschsprung disease, susceptibility to, 1; Familial medullary thyroid carcinoma; Multiple endocrine neoplasia type 2B; Pheochromocytoma; Multiple endocrine neoplasia type 2A. Last evaluated: 2022-05-06. Review status: criteria provided, single submitter. Criteria: ACMG Guidelines, 2015. Collection method: clinical testing. Allele origin: unknown.

Sema4
Classification: Likely benign for Hereditary cancer-predisposing syndrome. Last evaluated: 2021-05-26. Review status: criteria provided, single submitter. Criteria: Sema4 Curation Guidelines. Collection method: curation. Allele origin: germline.

GeneDx
Classification: Likely benign. Last evaluated: 2017-11-02. Review status: criteria provided, single submitter. Criteria: GeneDx Variant Classification (06012015). Collection method: clinical testing. Allele origin: germline. Affected: yes.
Comment: This variant is considered likely benign or benign based on one or more of the following criteria: it is a conservative change, it occurs at a poorly conserved position in the protein, it is predicted to be benign by multiple in silico algorithms, and/or has population frequency not consistent with disease.

Ambry Genetics
Classification: Likely benign for Hereditary cancer-predisposing syndrome. Last evaluated: 2015-08-10. Review status: criteria provided, single submitter. Criteria: Ambry Variant Classification Scheme 2023. Collection method: clinical testing. Allele origin: germline.

NM_020975.6(RET):c.468C>T (p.Ala156=)

Gene: RET (ret proto-oncogene; plus strand). Cytogenetic location: 10q11.21.
Variant type: single nucleotide variant.
Coding change: c.468C>T on transcript NM_020975.6 (MANE Select); coding-DNA position 468, C replaced by T.
Protein change: p.Ala156=; no amino-acid change (alanine 156 retained).
Molecular consequence: synonymous variant. On other transcripts: intron variant (15).
Genome position (GRCh38, 1-based): chr10:43,102,472, C>T. VCF-style: chr10-43102472-C-T. GRCh37 (hg19) VCF-style: chr10-43597920-C-T.
Other names: c.468C>T, p.Ala156= (NM_000323.2, NM_001406743.1, NM_001406744.1 and 16 more transcripts); c.339C>T, p.Thr113= (NM_001406761.1, NM_001406762.1, NM_001406764.1 and 4 more transcripts); c.337+1750C>T (NM_001406770.1, NM_001406766.1, NM_001406767.1 and 8 more transcripts); c.74-6559C>T (NM_001406784.1); c.74-9627C>T (NM_001406794.1, NM_001406792.1, NM_001406793.1).
Identifiers: ClinVar variation 215531 (VCV000215531.23), dbSNP rs141290380, ClinGen allele CA043776.